The following is an entry in ClinVar:

NM_000038.6(APC):c.2030_2031delinsGT (p.Val677Gly)

Gene: APC (APC regulator of Wnt signaling pathway; plus strand). Cytogenetic location: 5q22.2.
Variant type: Indel.
Coding change: c.2030_2031delinsGT on transcript NM_000038.6 (MANE Select); coding-DNA positions 2030 to 2031, TC replaced by GT.
Protein change: p.Val677Gly; replaces valine 677 with glycine.
Molecular consequence: missense variant. On other transcripts: non-coding transcript variant (2).
Genome position (GRCh38, 1-based): chr5:112,837,624-112,837,625, TC replaced by GT. VCF-style: chr5-112837624-TC-GT. GRCh37 (hg19) VCF-style: chr5-112173321-TC-GT.
Other names: c.1976_1977delinsGT, p.Val659Gly (NM_001127511.3); c.2030_2031delinsGT, p.Val677Gly (NM_001354895.2, NM_001407450.1, NM_001127510.3); c.2084_2085delinsGT, p.Val695Gly (NM_001354896.2, NM_001407447.1, NM_001407448.1 and 1 more transcripts); c.2060_2061delinsGT, p.Val687Gly (NM_001354897.2); c.1955_1956delinsGT, p.Val652Gly (NM_001354898.2); c.1946_1947delinsGT, p.Val649Gly (NM_001354899.2); c.1907_1908delinsGT, p.Val636Gly (NM_001354900.2); c.1853_1854delinsGT, p.Val618Gly (NM_001354901.2, NM_001407453.1); and 11 more; short protein forms V293G, V594G, V649G, V667G, V551G, V576G, V586G, V636G.
Identifiers: ClinVar variation 3411496 (VCV003411496.1).

ClinVar aggregate classification (germline): Uncertain significance (1 of 4 stars; one submission).

Conditions:
Hereditary cancer-predisposing syndrome. Also called: Neoplastic Syndromes, Hereditary; Tumor predisposition; Hereditary Cancer Syndrome; Hereditary neoplastic syndrome. Identifiers: Orphanet 140162, MedGen C0027672, MeSH D009386, MONDO:0015356.

Submission:

Ambry Genetics
Classification: Uncertain significance for Hereditary cancer-predisposing syndrome. Last evaluated: 2024-10-04. Review status: criteria provided, single submitter. Criteria: Ambry Variant Classification Scheme 2023. Collection method: clinical testing. Allele origin: germline.
Comment: The c.2030_2031delTCinsGT variant (also known as p.V677G), located in coding exon 15 of the APC gene, results from an in-frame deletion of TC and insertion of GT at nucleotide positions 2030 to 2031. This results in the substitution of the valine residue for a glycine residue at codon 677, an amino acid with dissimilar properties. This amino acid position is highly conserved in available vertebrate species. In addition, this alteration is predicted to be deleterious by in silico analysis (Choi Y et al. PLoS ONE. 2012; 7(10):e46688). Based on the available evidence, the clinical significance of this variant remains unclear.